The following is an entry in ClinVar:

ClinVar aggregate classification (germline): Uncertain significance (1 of 4 stars; one submission).

Allele frequency attached by ClinVar (database versions not stated): TOPMed below 0.00001; ExAC 0.00001; gnomAD 0.00001; gnomAD exomes 0.00002.
gnomAD v4.1: 38 of 1,613,178 alleles (0.0024%); highest among the groups gnomAD compares: Non-Finnish European, 0.003%; no homozygotes.

Submission:

Labcorp Genetics (formerly Invitae), Labcorp
Classification: Uncertain significance. Last evaluated: 2022-03-18. Review status: criteria provided, single submitter. Criteria: Invitae Variant Classification Sherloc (09022015). Collection method: clinical testing. Allele origin: germline.
Comment: In summary, the available evidence is currently insufficient to determine the role of this variant in disease. Therefore, it has been classified as a Variant of Uncertain Significance. Algorithms developed to predict the effect of missense changes on protein structure and function are either unavailable or do not agree on the potential impact of this missense change (SIFT: "Deleterious"; PolyPhen-2: "Benign"; Align-GVGD: "Class C0"). This variant has not been reported in the literature in individuals affected with CARMIL2-related conditions. This variant is present in population databases (rs771186956, gnomAD 0.002%). This sequence change replaces serine, which is neutral and polar, with leucine, which is neutral and non-polar, at codon 736 of the CARMIL2 protein (p.Ser736Leu).

NM_001013838.3(CARMIL2):c.2207C>T (p.Ser736Leu)

Gene: CARMIL2 (capping protein regulator and myosin 1 linker 2; plus strand). Cytogenetic location: 16q22.1.
Variant type: single nucleotide variant.
Coding change: c.2207C>T on transcript NM_001013838.3 (MANE Select); coding-DNA position 2207, C replaced by T.
Protein change: p.Ser736Leu; replaces serine 736 with leucine.
Molecular consequence: missense variant.
Genome position (GRCh38, 1-based): chr16:67,651,209, C>T. VCF-style: chr16-67651209-C-T. GRCh37 (hg19) VCF-style: chr16-67685112-C-T.
Other names: c.2099C>T, p.Ser700Leu (NM_001317026.3); short protein forms S700L, S736L.
Identifiers: ClinVar variation 1907018 (VCV001907018.5), dbSNP rs771186956, ClinGen allele CA8113718.